The following is an entry in ClinVar:

ClinVar aggregate classification (germline): Uncertain significance. Review status: criteria provided, multiple submitters, no conflicts (2 of 4 stars). 3 submissions from 3 submitters: Uncertain significance (3). Last evaluated 2024-02-12.

Conditions:
Inborn genetic diseases. Identifiers: MedGen C0950123, MeSH D030342.
Microcephaly 20, primary, autosomal recessive. Identifiers: MedGen C4693572, MONDO:0054761, OMIM 617914.

Allele frequency attached by ClinVar (database versions not stated): TOPMed 0.00010; gnomAD 0.00011; ExAC 0.00012; ESP Exome Variant Server 0.00015; gnomAD exomes 0.00015.
gnomAD v4.1: 125 of 1,614,100 alleles (0.0077%); highest among the groups gnomAD compares: Middle Eastern, 0.16%; 1 homozygote.

Submissions (3):

Ambry Genetics
Classification: Uncertain significance for Inborn genetic diseases. Last evaluated: 2024-02-12. Review status: criteria provided, single submitter. Criteria: Ambry Variant Classification Scheme 2023. Collection method: clinical testing. Allele origin: germline.

Labcorp Genetics (formerly Invitae), Labcorp
Classification: Uncertain significance. Last evaluated: 2023-10-13. Review status: criteria provided, single submitter. Criteria: Invitae Variant Classification Sherloc (09022015). Collection method: clinical testing. Allele origin: germline.
Comment: This sequence change replaces glutamic acid, which is acidic and polar, with lysine, which is basic and polar, at codon 337 of the KIF14 protein (p.Glu337Lys). This variant is present in population databases (rs147387069, gnomAD 0.09%). This variant has not been reported in the literature in individuals affected with KIF14-related conditions. ClinVar contains an entry for this variant (Variation ID: 1523895). An algorithm developed to predict the effect of missense changes on protein structure and function (PolyPhen-2) suggests that this variant¬†is likely to be tolerated. In summary, the available evidence is currently insufficient to determine the role of this variant in disease. Therefore, it has been classified as a Variant of Uncertain Significance.

Illumina Laboratory Services, Illumina
Classification: Uncertain significance for Microcephaly 20, primary, autosomal recessive. Last evaluated: 2023-04-06. Review status: criteria provided, single submitter. Criteria: ICSLVariantClassificationCriteria RUGD 01 April 2020. Collection method: clinical testing. Allele origin: unknown.
Comment: The KIF14 c.1009G>A (p.Glu337Lys) missense variant results in the substitution of glutamine at amino acid position 337 with lysine. To our knowledge, this variant has not been reported in the peer-reviewed literature. This variant is reported in the Genome Aggregation Database in ten alleles at a frequency of 0.000964 in the Ashkenazi Jewish population (version 2.1.1). The c.1009G>A variant resides in a region that is essential for PRC1-binding (PMID: 32430361). Based on the available evidence, the c.1009G>A (p.Glu337Lys) variant is classified as a variant of uncertain significance for autosomal recessive primary microcephaly.

NM_014875.3(KIF14):c.1009G>A (p.Glu337Lys)

Gene: KIF14 (kinesin family member 14; minus strand). Cytogenetic location: 1q32.1.
Variant type: single nucleotide variant.
Coding change: c.1009G>A on transcript NM_014875.3 (MANE Select); coding-DNA position 1009, G replaced by A.
Protein change: p.Glu337Lys; replaces glutamic acid 337 with lysine.
Molecular consequence: missense variant. On other transcripts: 5 prime UTR variant (1).
Genome position (GRCh38, 1-based): chr1:200,617,715, C>T on the plus strand (G>A on the coding strand, the complement: KIF14 is on the minus strand). VCF-style: chr1-200617715-C-T. GRCh37 (hg19) VCF-style: chr1-200586843-C-T.
Other names: c.-377G>A (NM_001305792.1); c.1009G>A (NM_014875.2); short protein forms E337K.
Identifiers: ClinVar variation 1523895 (VCV001523895.5), dbSNP rs147387069, ClinGen allele CA1317925.